The following is an entry in ClinVar:

ClinVar aggregate classification (germline): Likely benign. Review status: criteria provided, single submitter (1 of 4 stars). 2 submissions from 2 submitters: Likely benign (1). 1 of the submissions does not count toward it. Last evaluated 2025-07-02.

Conditions:
CCBE1-related disorder. Also called: CCBE1-related condition.

Allele frequency attached by ClinVar (database versions not stated): gnomAD exomes 0.00001 and 0.00004; TOPMed 0.00001; ExAC 0.00002.
gnomAD v4.1: 56 of 1,614,260 alleles (0.0035%); highest among the groups gnomAD compares: Non-Finnish European, 0.0043%; no homozygotes.

Submissions (2):

Labcorp Genetics (formerly Invitae), Labcorp
Classification: Likely benign. Last evaluated: 2025-07-02. Review status: criteria provided, single submitter. Criteria: Invitae Variant Classification Sherloc (09022015). Collection method: clinical testing. Allele origin: germline.

PreventionGenetics, part of Exact Sciences
Classification: Likely benign for CCBE1-related condition. Last evaluated: 2019-06-25. Review status: no assertion criteria provided. Collection method: clinical testing. Allele origin: germline. Not counted in ClinVar's aggregate classification.
Comment: This variant is classified as likely benign based on ACMG/AMP sequence variant interpretation guidelines (Richards et al. 2015 PMID: 25741868, with internal and published modifications).

NM_133459.4(CCBE1):c.942T>C (p.Asp314=)

Gene: CCBE1 (collagen and calcium binding EGF domains 1; minus strand). Cytogenetic location: 18q21.32.
Variant type: single nucleotide variant.
Coding change: c.942T>C on transcript NM_133459.4 (MANE Select); coding-DNA position 942, T replaced by C.
Protein change: p.Asp314=; no amino-acid change (aspartic acid 314 retained).
Molecular consequence: synonymous variant.
Genome position (GRCh38, 1-based): chr18:59,439,552, A>G on the plus strand (T>C on the coding strand, the complement: CCBE1 is on the minus strand). VCF-style: chr18-59439552-A-G. GRCh37 (hg19) VCF-style: chr18-57106784-A-G.
Other names: c.942T>C (NM_133459.3).
Identifiers: ClinVar variation 1662720 (VCV001662720.10), dbSNP rs200439896, ClinGen allele CA8980266.